The following is an entry in ClinVar:

ClinVar aggregate classification (germline): Benign/Likely benign. Review status: criteria provided, multiple submitters, no conflicts (2 of 4 stars). 3 submissions from 3 submitters: Benign (1); Likely benign (2). Last evaluated 2026-01-31.

Conditions:
LAMA3-related disorder. Also called: LAMA3-related condition; LAMA3-related disorders.

Allele frequency attached by ClinVar (database versions not stated): gnomAD exomes 0.00017 and 0.00041; ExAC 0.00049; 1000 Genomes Project 30x 0.00094; 1000 Genomes Project 0.00120; ESP Exome Variant Server 0.00146; gnomAD 0.00156 and 0.00169; TOPMed 0.00185.
gnomAD v4.1: 484 of 1,613,580 alleles (0.03%); highest among the groups gnomAD compares: African/African-American, 0.58%; 2 homozygotes.

Submissions (3):

Labcorp Genetics (formerly Invitae), Labcorp
Classification: Benign. Last evaluated: 2026-01-31. Review status: criteria provided, single submitter. Criteria: Invitae Variant Classification Sherloc (09022015). Collection method: clinical testing. Allele origin: germline.

PreventionGenetics, part of Exact Sciences
Classification: Likely benign for LAMA3-related condition. Last evaluated: 2025-11-26. Review status: criteria provided, single submitter. Criteria: ACMG Guidelines, 2015. Collection method: clinical testing. Allele origin: germline.
Comment: This variant is classified as likely benign based on ACMG/AMP sequence variant interpretation guidelines (Richards et al. 2015 PMID: 25741868, with internal and published modifications).

Blueprint Genetics
Classification: Likely benign. Last evaluated: 2024-01-16. Review status: criteria provided, single submitter. Criteria: ACMG Guidelines, 2015. Collection method: clinical testing. Allele origin: germline.

NM_198129.4(LAMA3):c.8177+8G>A

Gene: LAMA3 (laminin subunit alpha 3; plus strand). Cytogenetic location: 18q11.2.
Variant type: single nucleotide variant.
Coding change: c.8177+8G>A on transcript NM_198129.4 (MANE Select); 8 bases into the intron after coding-DNA position 8177, G replaced by A.
Molecular consequence: intron variant.
Genome position (GRCh38, 1-based): chr18:23,921,593, G>A. VCF-style: chr18-23921593-G-A. GRCh37 (hg19) VCF-style: chr18-21501557-G-A.
Other names: c.8009+8G>A (NM_001127717.4); c.3350+8G>A (NM_000227.6); c.3182+8G>A (NM_001127718.4).
Identifiers: ClinVar variation 777283 (VCV000777283.13), dbSNP rs186430384, ClinGen allele CA8916853.